The following is an entry in ClinVar:

NM_005245.4(FAT1):c.9188T>A (p.Leu3063Ter)

Gene: FAT1 (FAT atypical cadherin 1; minus strand). Cytogenetic location: 4q35.2.
Variant type: single nucleotide variant.
Coding change: c.9188T>A on transcript NM_005245.4 (MANE Select); coding-DNA position 9188, T replaced by A.
Protein change: p.Leu3063Ter; replaces leucine 3063 with a stop codon.
Molecular consequence: nonsense.
Genome position (GRCh38, 1-based): chr4:186,614,232, A>T on the plus strand (T>A on the coding strand, the complement: FAT1 is on the minus strand). VCF-style: chr4-186614232-A-T. GRCh37 (hg19) VCF-style: chr4-187535386-A-T.
Other names: short protein forms L3063*.
Identifiers: ClinVar variation 1302682 (VCV001302682.2), dbSNP rs2126478688, ClinGen allele CA358957547.
Genomic context (GRCh38, chr4:186,614,232, plus strand): 5'-TCCCAAACTCCATCATTACCTGTGTCTGGATTTAGTTTGAATTTTTCTGCACCTGAACCC[A>T]ATAACGTGTAAGTAATTTCAGCGTTAGAGCGGATGTCTGCGTCTGTAGCAGAGATCTGCA-3'

ClinVar aggregate classification (germline): Uncertain significance (1 of 4 stars; one submission).

Submission:

GeneDx
Classification: Uncertain significance. Last evaluated: 2019-05-21. Review status: criteria provided, single submitter. Criteria: GeneDx Variant Classification Process June 2021. Collection method: clinical testing. Allele origin: germline. Affected: yes.
Comment: Not observed in large population cohorts (Lek et al., 2016); Nonsense variant predicted to result in protein truncation or nonsense mediated decay in a gene for which loss-of-function is not a known mechanism of disease; Has not been previously published as pathogenic or benign to our knowledge; Variants in candidate genes are classified as variants of uncertain significance in accordance with ACMG guidelines (Richards et al., 2015)